The following is an entry in ClinVar:

NM_000257.4(MYH7):c.1491G>T (p.Glu497Asp)

Gene: MYH7 (myosin heavy chain 7; minus strand). Cytogenetic location: 14q11.2.
Variant type: single nucleotide variant.
Coding change: c.1491G>T on transcript NM_000257.4 (MANE Select); coding-DNA position 1491, G replaced by T.
Protein change: p.Glu497Asp; replaces glutamic acid 497 with aspartic acid.
Molecular consequence: missense variant.
Genome position (GRCh38, 1-based): chr14:23,428,587, C>A on the plus strand (G>T on the coding strand, the complement: MYH7 is on the minus strand). VCF-style: chr14-23428587-C-A. GRCh37 (hg19) VCF-style: chr14-23897796-C-A.
Other names: p.E497D:GAG>GAT; short protein forms E497D.
Identifiers: ClinVar variation 14124 (VCV000014124.45), dbSNP rs267606911, ClinGen allele CA010843.

ClinVar aggregate classification (germline): Pathogenic/Likely pathogenic. Review status: criteria provided, multiple submitters, no conflicts (2 of 4 stars). 16 submissions from 16 submitters: Pathogenic (4); Likely pathogenic (11). 1 of the submissions does not count toward it. Last evaluated 2026-01-10.

Conditions:
MYH7-related disorder. Also called: MYH7-related condition; MYH7-related disease; MYH7-related disorders.
Cardiovascular phenotype. Identifiers: MedGen CN230736.
Dilated cardiomyopathy 1S (CMD1S). Identifiers: Orphanet 154, Orphanet 54260, MedGen C1834481, MONDO:0013262, OMIM 613426.
Cardiomyopathy (CMYO). Also called: Cardiomyopathies. Identifiers: Orphanet 167848, MedGen C0878544, MONDO:0004994, HP:0001638. Inheritance: Various modes of inheritance.
Hypertrophic cardiomyopathy 1 (CMH1). Also called: MYH7-Related Familial Hypertrophic Cardiomyopathy; Familial hypertrophic cardiomyopathy 1. Identifiers: MedGen C3495498, MONDO:0008647, OMIM 192600.
MYH7-related skeletal myopathy. Also called: Laing distal myopathy; Laing early-onset distal myopathy; Myopathy, distal, 1; MYOPATHY, DISTAL, EARLY-ONSET, AUTOSOMAL DOMINANT; MYOPATHY, LATE DISTAL HEREDITARY. Identifiers: Orphanet 59135, MedGen C4552004, MONDO:0008050, OMIM 160500.
Myosin storage myopathy (CMYO7A). Also called: SCAPULOPERONEAL MUSCULAR DYSTROPHY; SCAPULOPERONEAL SYNDROME, MYOPATHIC TYPE; MYOPATHY WITH LYSIS OF TYPE I MYOFIBRILS; MYH7-related late-onset scapuloperoneal muscular dystrophy; Congenital myopathy 7A, myosin storage, autosomal dominant; MYOPATHY, HYALINE BODY, AUTOSOMAL DOMINANT. Identifiers: Orphanet 437572, Orphanet 636965, MedGen C1842160, MONDO:0008409, OMIM 608358.
Myopathy, myosin storage, autosomal recessive (CMYO7B). Also called: CONGENITAL MYOPATHY 7B, MYOSIN STORAGE, AUTOSOMAL RECESSIVE. Identifiers: Orphanet 636970, MedGen C1850709, MONDO:0009708, OMIM 255160.
Hypertrophic cardiomyopathy. Also called: HYPERTROPHIC MYOCARDIOPATHY. Identifiers: Orphanet 217569, MedGen C0007194, MeSH D002312, MONDO:0005045, HP:0001639.

Allele frequency attached by ClinVar (database versions not stated): gnomAD 0.00001; gnomAD exomes 0.00001; TOPMed 0.00002.
gnomAD v4.1: 8 of 1,614,094 alleles (0.0005%); no homozygotes.

Submissions 1 to 5 of 16:

Labcorp Genetics (formerly Invitae), Labcorp
Classification: Pathogenic for Hypertrophic cardiomyopathy. Last evaluated: 2026-01-10. Review status: criteria provided, single submitter. Criteria: Invitae Variant Classification Sherloc (09022015). Collection method: clinical testing. Allele origin: germline.
Comment: This sequence change replaces glutamic acid, which is acidic and polar, with aspartic acid, which is acidic and polar, at codon 497 of the MYH7 protein (p.Glu497Asp). This variant is present in population databases (rs267606911, gnomAD 0.02%). This missense change has been observed in individuals with hypertrophic cardiomyopathy (PMID: 16267253, 23549607, 24510615). ClinVar contains an entry for this variant (Variation ID: 14124). Invitae Evidence Modeling of protein sequence and biophysical properties (such as structural, functional, and spatial information, amino acid conservation, physicochemical variation, residue mobility, and thermodynamic stability) indicates that this missense variant is expected to disrupt MYH7 protein function with a positive predictive value of 95%. Experimental studies have shown that this missense change affects MYH7 function (PMID: 21310275, 26446785). For these reasons, this variant has been classified as Pathogenic.

Ambry Genetics
Classification: Pathogenic for Cardiovascular phenotype. Last evaluated: 2025-08-08. Review status: criteria provided, single submitter. Criteria: Ambry Variant Classification Scheme 2023. Collection method: clinical testing. Allele origin: germline.
Comment: The c.1491G>T (p.E497D) alteration is located in exon 15 (coding exon 13) of the MYH7 gene. This alteration results from a G to T substitution at nucleotide position 1491, causing the glutamic acid (E) at amino acid position 497 to be replaced by an aspartic acid (D). Based on data from gnomAD, the T allele has an overall frequency of 0.001% (2/251488) total alleles studied. The highest observed frequency was <0.001% (2/10080) of Ashkenazi Jewish alleles. This variant has been identified in numerous unrelated patients with hypertrophic cardiomyopathy and has been reported to co-segregate with disease in one small family (Arad, 2005; Maron, 2011; Arad, 2014; Kapplinger, 2014; Walsh, 2017; Mattivi, 2020; Puckelwartz, 2021; Ambry internal data). This amino acid position is highly conserved in available vertebrate species. This variant is located in the myosin head domain, which contains a statistically significant clustering of pathogenic missense variants (Homburger, 2016; Walsh, 2017; Ambry internal data). Functional studies of the orthologous residue in a transgenic Drosophila model, coupled with molecular modeling of human beta-cardiac myosin, demonstrated that E497 is involved in charge-dependent interactions between the relay helix and the converter domain. Disruption of this interaction by either charge reversal or introduction of a sterically smaller amino acid obviate this interaction, resulting in reduced ATPase activity and actin sliding velocity (Kronert, 2015). This alteration is predicted to be deleterious by in silico analysis. Based on the available evidence, this alteration is classified as pathogenic.

GeneDx
Classification: Likely pathogenic. Last evaluated: 2025-06-10. Review status: criteria provided, single submitter. Criteria: GeneDx Variant Classification Process June 2021. Collection method: clinical testing. Allele origin: germline. Affected: yes.
Comment: Reported in individuals with sub-clinical cardiomyopathy (PMID: 25228707, 25543971); Not observed at significant frequency in large population cohorts (gnomAD); Functional analysis of the Drosophila myosin heavy chain ortholog and molecular modeling of human beta-cardiac myosin suggest that charge reversal of E497 disrupts a salt bridge with R712, which may decrease ATPase activity and actin sliding velocity (PMID: 26446785); In silico analysis supports that this missense variant has a deleterious effect on protein structure/function; This variant is associated with the following publications: (PMID: 18555187, 21958740, 24510615, 25543971, 25351510, 27247418, 27532257, 23549607, 26246073, 24793961, 16267253, 25558701, 28193612, 32894683, 33605878, 34542152, 29121657, 31447099, 25228707, 37652022, 29300372, 26446785, 34556856, 21310275, 33764162, 35470680, 25611685, 33495597, 38186735, 38757491)

Color Diagnostics, LLC DBA Color Health
Classification: Likely pathogenic for Cardiomyopathy. Last evaluated: 2025-02-18. Review status: criteria provided, single submitter. Criteria: ACMG Guidelines, 2015. Collection method: clinical testing. Allele origin: germline.
Comment: This missense variant replaces glutamic acid with aspartic acid at codon 497 of the MYH7 protein. Computational prediction suggests that this variant may have a deleterious impact on protein structure and function. This variant is found within a highly conserved region of the myosin head domain. Missense variants in this region have been shown to be significantly overrepresented in individuals with affected with hypertrophic cardiomyopathy (PMID: 27532257). To our knowledge, functional studies have not been reported for this variant. This variant has been reported in more than ten individuals affected with hypertrophic cardiomyopathy (PMID: 16267253, 21958740, 23549607, 24793961, 25351510, 25558701, 25611685, 27247418, 27532257, 29121657, 32894683, 33495597, 33764162, 34542152, 34556856, 35470680, 38186735, 38757491). It has been shown that this variant segregates with disease in two affected individuals in one family (PMID: 16267253). This variant has been identified in 2/251488 chromosomes in the general population by the Genome Aggregation Database (gnomAD). Based on the available evidence, this variant is classified as Likely Pathogenic.

Rady Children's Institute for Genomic Medicine, Rady Children's Hospital San Diego
Classification: Likely pathogenic for MYH7-related disorders. Last evaluated: 2025-01-30. Review status: criteria provided, single submitter. Criteria: ACMG Guidelines, 2015. Collection method: clinical testing. Allele origin: germline. Affected: yes.
Comment: The MYH7 gene is constrained against missense variation (Z-score= 6.81). The c.1491G>T (p.Glu497Asp) variant affects a highly conserved amino acid and is predicted by multiple in silico tools to have a deleterious effect on protein function. This variant has been previously reported as a heterozygous change in patients with hypertrophic cardiomyopathy (PMID: 29121657, 24510615, 25611685, 27532257, 24793961, 16267253, 25558701, 34556856, 33764162, 25228707, 35470680, 25351510). Functional studies indicate this variant may lead to reduced ATPase activity and actin sliding velocity (PMID: 26446785). The c.1491G>T (p.Glu497Asp) variant is present in the latest version of the gnomAD population database at an allele frequency of 0.0005% (8/1614094) and thus is presumed to be rare. Based on the available evidence, c.1491G>T (p.Glu497Asp) is classified as Likely Pathogenic.